The following is an entry in ClinVar:

NM_031885.5(BBS2):c.2106T>C (p.Ile702=)

Gene: BBS2 (Bardet-Biedl syndrome 2; minus strand). Cytogenetic location: 16q13.
Variant type: single nucleotide variant.
Coding change: c.2106T>C on transcript NM_031885.5 (MANE Select); coding-DNA position 2106, T replaced by C.
Protein change: p.Ile702=; no amino-acid change (isoleucine 702 retained).
Molecular consequence: synonymous variant. On other transcripts: non-coding transcript variant (5).
Genome position (GRCh38, 1-based): chr16:56,484,821, A>G on the plus strand (T>C on the coding strand, the complement: BBS2 is on the minus strand). VCF-style: chr16-56484821-A-G. GRCh37 (hg19) VCF-style: chr16-56518733-A-G.
Other names: c.2106T>C, p.Ile702= (NM_001377456.1); c.2106T>C (NM_031885.3).
Identifiers: ClinVar variation 1093149 (VCV001093149.11), dbSNP rs1314393067, ClinGen allele CA495582904.

ClinVar aggregate classification (germline): Likely benign. Review status: criteria provided, single submitter (1 of 4 stars). 2 submissions from 2 submitters: Likely benign (1). 1 of the submissions does not count toward it. Last evaluated 2019-05-03.

Conditions:
BBS2-related disorder. Also called: BBS2-related condition; BBS2-related disorders. Identifiers: MedGen CN239228.
Bardet-Biedl syndrome (BBS). Identifiers: Orphanet 110, MedGen C0752166, MONDO:0015229.

Submissions (2):

Labcorp Genetics (formerly Invitae), Labcorp
Classification: Likely benign for Bardet-Biedl syndrome. Last evaluated: 2019-05-03. Review status: criteria provided, single submitter. Criteria: Invitae Variant Classification Sherloc (09022015). Collection method: clinical testing. Allele origin: germline.

PreventionGenetics, part of Exact Sciences
Classification: Likely benign for BBS2-related condition. Last evaluated: 2019-12-04. Review status: no assertion criteria provided. Collection method: clinical testing. Allele origin: germline. Not counted in ClinVar's aggregate classification.
Comment: This variant is classified as likely benign based on ACMG/AMP sequence variant interpretation guidelines (Richards et al. 2015 PMID: 25741868, with internal and published modifications).